The following is an entry in ClinVar:

NM_001067.4(TOP2A):c.1713G>A (p.Glu571=)

Gene: TOP2A (DNA topoisomerase II alpha; minus strand). Cytogenetic location: 17q21.2.
Variant type: single nucleotide variant.
Coding change: c.1713G>A on transcript NM_001067.4 (MANE Select); coding-DNA position 1713, G replaced by A.
Protein change: p.Glu571=; no amino-acid change (glutamic acid 571 retained).
Molecular consequence: synonymous variant.
Genome position (GRCh38, 1-based): chr17:40,406,856, C>T on the plus strand (G>A on the coding strand, the complement: TOP2A is on the minus strand). VCF-style: chr17-40406856-C-T. GRCh37 (hg19) VCF-style: chr17-38563108-C-T.
Identifiers: ClinVar variation 783780 (VCV000783780.7), dbSNP rs144622532, ClinGen allele CA8543535.

ClinVar aggregate classification (germline): Benign. Review status: criteria provided, multiple submitters, no conflicts (2 of 4 stars). 3 submissions from 3 submitters: Benign (2). 1 of the submissions does not count toward it. Last evaluated 2019-12-31.

Conditions:
TOP2A-related disorder. Also called: TOP2A-related condition.

Allele frequency attached by ClinVar (database versions not stated): gnomAD 0.00505 and 0.00552; 1000 Genomes Project 0.00399; ESP Exome Variant Server 0.00526; gnomAD exomes 0.00046 and 0.00123; ExAC 0.00214; 1000 Genomes Project 30x 0.00406; TOPMed 0.00584.
gnomAD v4.1: 1,456 of 1,606,762 alleles (0.091%); highest among the groups gnomAD compares: African/African-American, 1.7%; 15 homozygotes.

Submissions (3):

Labcorp Genetics (formerly Invitae), Labcorp
Classification: Benign. Last evaluated: 2019-12-31. Review status: criteria provided, single submitter. Criteria: Invitae Variant Classification Sherloc (09022015). Collection method: clinical testing. Allele origin: germline.

Breakthrough Genomics
Classification: Benign. Review status: criteria provided, single submitter. Criteria: ACMG Guidelines, 2015. Collection method: not provided. Allele origin: germline. Inheritance: Unknown mechanism. Affected: yes.

PreventionGenetics, part of Exact Sciences
Classification: Likely benign for TOP2A-related condition. Last evaluated: 2019-12-18. Review status: no assertion criteria provided. Collection method: clinical testing. Allele origin: germline. Not counted in ClinVar's aggregate classification.
Comment: This variant is classified as likely benign based on ACMG/AMP sequence variant interpretation guidelines (Richards et al. 2015 PMID: 25741868, with internal and published modifications).